The following is an entry in ClinVar:

ClinVar aggregate classification (germline): Uncertain significance (1 of 4 stars; one submission).

gnomAD v4.1: 13 of 1,613,782 alleles (0.00081%); highest among the groups gnomAD compares: African/African-American, 0.011%; no homozygotes.

Submission:

Women's Health and Genetics/Laboratory Corporation of America, LabCorp
Classification: Uncertain significance. Last evaluated: 2022-07-29. Review status: criteria provided, single submitter. Criteria: LabCorp Variant Classification Summary - May 2015. Collection method: clinical testing. Allele origin: germline.
Comment: Variant summary: CUX1 c.130C>T (p.Arg44Trp) results in a non-conservative amino acid change in the encoded protein sequence. Four of five in-silico tools predict a damaging effect of the variant on protein function. The variant allele was found at a frequency of 8e-06 in 251484 control chromosomes (gnomAD). The available data on variant occurrences in the general population are insufficient to allow any conclusion about variant significance. To our knowledge, no occurrence of c.130C>T in individuals affected with Global Developmental Delay With Or Without Impaired Intellectual Development and no experimental evidence demonstrating its impact on protein function have been reported. No clinical diagnostic laboratories have submitted clinical-significance assessments for this variant to ClinVar after 2014. Based on the evidence outlined above, the variant was classified as uncertain significance.

Literature cited by the submitters: PubMed 23212519; PubMed 24316979; PubMed 31320321; PubMed 30515541.

NM_181552.4(CUX1):c.97C>T (p.Arg33Trp)

Gene: CUX1 (cut like homeobox 1; plus strand). Cytogenetic location: 7q22.1.
Variant type: single nucleotide variant.
Coding change: c.97C>T on transcript NM_181552.4 (MANE Select); coding-DNA position 97, C replaced by T.
Protein change: p.Arg33Trp; replaces arginine 33 with tryptophan.
Molecular consequence: missense variant. On other transcripts: intron variant (1).
Genome position (GRCh38, 1-based): chr7:101,916,181, C>T. VCF-style: chr7-101916181-C-T. GRCh37 (hg19) VCF-style: chr7-101559461-C-T.
Other names: c.130C>T, p.Arg44Trp (NM_001202543.2, NM_001202544.3, NM_001202545.3 and 2 more transcripts); c.63+100088C>T (NM_001202546.3); short protein forms R33W, R44W.
Identifiers: ClinVar variation 1704521 (VCV001704521.1), dbSNP rs771176824, ClinGen allele CA163802516.